The following is an entry in ClinVar:

NM_006579.3(EBP):c.118G>A (p.Gly40Arg)

Gene: EBP (EBP cholestenol delta-isomerase; plus strand). Cytogenetic location: Xp11.23.
Variant type: single nucleotide variant.
Coding change: c.118G>A on transcript NM_006579.3 (MANE Select); coding-DNA position 118, G replaced by A.
Protein change: p.Gly40Arg; replaces glycine 40 with arginine.
Molecular consequence: missense variant.
Genome position (GRCh38, 1-based): chrX:48,523,889, G>A. VCF-style: chrX-48523889-G-A. GRCh37 (hg19) VCF-style: chrX-48382277-G-A.
Other names: short protein forms G40R.
Identifiers: ClinVar variation 3657203 (VCV003657203.2).
Genomic context (GRCh38, chrX:48,523,889, plus strand): 5'-AACTTTGTACCTAATGACCGCCCCACCTGGCATATACTGGCTGGCCTCTTCTCTGTCACA[G>A]GGGTCTTAGTCGTGACCACATGGCTGTTGTCAGGTCGTGCTGCGGTTGTCCCATTGGGGA-3'
Protein context (NP_006570.1, residues 30-50): HILAGLFSVT[Gly40Arg]VLVVTTWLLS

ClinVar aggregate classification (germline): Uncertain significance (1 of 4 stars; one submission).

Submission:

Labcorp Genetics (formerly Invitae), Labcorp
Classification: Uncertain significance. Last evaluated: 2024-07-25. Review status: criteria provided, single submitter. Criteria: Invitae Variant Classification Sherloc (09022015). Collection method: clinical testing. Allele origin: germline.
Comment: This sequence change replaces glycine, which is neutral and non-polar, with arginine, which is basic and polar, at codon 40 of the EBP protein (p.Gly40Arg). This variant is not present in population databases (gnomAD no frequency). This variant has not been reported in the literature in individuals affected with EBP-related conditions. Advanced modeling of protein sequence and biophysical properties (such as structural, functional, and spatial information, amino acid conservation, physicochemical variation, residue mobility, and thermodynamic stability) has been performed at Invitae for this missense variant, however the output from this modeling did not meet the statistical confidence thresholds required to predict the impact of this variant on EBP protein function. In summary, the available evidence is currently insufficient to determine the role of this variant in disease. Therefore, it has been classified as a Variant of Uncertain Significance.